The following is an entry in ClinVar:

ClinVar aggregate classification (germline): Likely benign (1 of 4 stars; one submission).

Submission:

Center for Pediatric Genomic Medicine, Children's Mercy Hospital and Clinics
Classification: Likely benign. Last evaluated: 2015-08-12. Review status: criteria provided, single submitter. Criteria: ACMG Guidelines, 2015. Collection method: clinical testing. Allele origin: germline.
ClinVar note: Converted during submission from Likely Benign to Likely benign.

NC_012920.1(MT-RNR2):m.2395del

Gene: MT-RNR2 (mitochondrially encoded 16S RNA; plus strand).
Variant type: Deletion.
Genome position: chrM-2393-CA-C.
Identifiers: ClinVar variation 235254 (VCV000235254.3), dbSNP rs878852991, ClinGen allele CA10581255.